The following is an entry in ClinVar:

ClinVar aggregate classification (germline): Uncertain significance (1 of 4 stars; one submission).

Allele frequency attached by ClinVar (database versions not stated): gnomAD exomes 0.00001.

Submission:

Labcorp Genetics (formerly Invitae), Labcorp
Classification: Uncertain significance. Last evaluated: 2022-03-11. Review status: criteria provided, single submitter. Criteria: Invitae Variant Classification Sherloc (09022015). Collection method: clinical testing. Allele origin: germline.
Comment: In summary, the available evidence is currently insufficient to determine the role of this variant in disease. Therefore, it has been classified as a Variant of Uncertain Significance. Algorithms developed to predict the effect of missense changes on protein structure and function (SIFT, PolyPhen-2, Align-GVGD) all suggest that this variant is likely to be disruptive. This variant has not been reported in the literature in individuals affected with RIMS1-related conditions. This variant is not present in population databases (gnomAD no frequency). This sequence change replaces lysine, which is basic and polar, with glutamine, which is neutral and polar, at codon 637 of the RIMS1 protein (p.Lys637Gln).

NM_014989.7(RIMS1):c.1909A>C (p.Lys637Gln)

Gene: RIMS1 (regulating synaptic membrane exocytosis 1; plus strand). Cytogenetic location: 6q13.
Variant type: single nucleotide variant.
Coding change: c.1909A>C on transcript NM_014989.7 (MANE Select); coding-DNA position 1909, A replaced by C.
Protein change: p.Lys637Gln; replaces lysine 637 with glutamine.
Molecular consequence: missense variant.
Genome position (GRCh38, 1-based): chr6:72,237,874, A>C. VCF-style: chr6-72237874-A-C. GRCh37 (hg19) VCF-style: chr6-72947577-A-C.
Other names: c.331A>C, p.Lys111Gln (NM_001168407.2, NM_001168408.2, NM_001350414.2 and 37 more transcripts); c.88A>C, p.Lys30Gln (NM_001168409.2, NM_001350461.2, NM_001350463.2 and 6 more transcripts); c.286A>C, p.Lys96Gln (NM_001168410.2, NM_001350470.2, NM_001350472.2 and 2 more transcripts); c.262A>C, p.Lys88Gln (NM_001350421.2, NM_001350437.2, NM_001350459.2 and 6 more transcripts); short protein forms K30Q, K637Q, K88Q, K111Q, K96Q.
Identifiers: ClinVar variation 1951537 (VCV001951537.5), dbSNP rs1208399374, ClinGen allele CA364823828.